The following is an entry in ClinVar:

ClinVar aggregate classification (germline): Uncertain significance (1 of 4 stars; one submission).

Submission:

Labcorp Genetics (formerly Invitae), Labcorp
Classification: Uncertain significance. Last evaluated: 2019-07-24. Review status: criteria provided, single submitter. Criteria: Invitae Variant Classification Sherloc (09022015). Collection method: clinical testing. Allele origin: germline.
Comment: This sequence change replaces proline with serine at codon 4735 of the USH2A protein (p.Pro4735Ser). The proline residue is highly conserved and there is a moderate physicochemical difference between proline and serine. This variant is not present in population databases (ExAC no frequency). Algorithms developed to predict the effect of missense changes on protein structure and function are either unavailable or do not agree on the potential impact of this missense change (SIFT: "Deleterious"; PolyPhen-2: "Probably Damaging"; Align-GVGD: "Class C0"). This variant disrupts the p.Pro4735 amino acid residue in USH2A. Other variant(s) that disrupt this residue have been observed in individuals with USH2A-related conditions (PMID: 27460420), which suggests that this may be a clinically significant amino acid residue. In summary, the available evidence is currently insufficient to determine the role of this variant in disease. Therefore, it has been classified as a Variant of Uncertain Significance.

Literature cited by the submitters: PubMed 27460420.

NM_206933.4(USH2A):c.14203C>T (p.Pro4735Ser)

Gene: USH2A (usherin; minus strand). Cytogenetic location: 1q41.
Variant type: single nucleotide variant.
Coding change: c.14203C>T on transcript NM_206933.4 (MANE Select); coding-DNA position 14203, C replaced by T.
Protein change: p.Pro4735Ser; replaces proline 4735 with serine.
Molecular consequence: missense variant.
Genome position (GRCh38, 1-based): chr1:215,650,732, G>A on the plus strand (C>T on the coding strand, the complement: USH2A is on the minus strand). VCF-style: chr1-215650732-G-A. GRCh37 (hg19) VCF-style: chr1-215824074-G-A.
Other names: short protein forms P4735S.
Identifiers: ClinVar variation 959723 (VCV000959723.9), dbSNP rs1164439183, ClinGen allele CA344835776.